The following is an entry in ClinVar:

NM_000030.3(AGXT):c.497T>A (p.Leu166His)

Gene: AGXT (alanine--glyoxylate aminotransferase; plus strand). Cytogenetic location: 2q37.3.
Variant type: single nucleotide variant.
Coding change: c.497T>A on transcript NM_000030.3 (MANE Select); coding-DNA position 497, T replaced by A.
Protein change: p.Leu166His; replaces leucine 166 with histidine.
Molecular consequence: missense variant.
Genome position (GRCh38, 1-based): chr2:240,871,422, T>A. VCF-style: chr2-240871422-T-A. GRCh37 (hg19) VCF-style: chr2-241810839-T-A.
Other names: c.497T>A (NM_000030.2); short protein forms L166H.
Identifiers: ClinVar variation 3251511 (VCV003251511.2), dbSNP rs180177230.

ClinVar aggregate classification (germline): Uncertain significance. Review status: criteria provided, single submitter (1 of 4 stars). 2 submissions from 2 submitters: Uncertain significance (1). 1 of the submissions does not count toward it. Last evaluated 2024-04-05.

Conditions:
AGXT-related disorder. Also called: AGXT-related condition.

Submissions (2):

Women's Health and Genetics/Laboratory Corporation of America, LabCorp
Classification: Uncertain significance. Last evaluated: 2024-04-05. Review status: criteria provided, single submitter. Criteria: LabCorp Variant Classification Summary - May 2015. Collection method: clinical testing. Allele origin: germline.
Comment: Variant summary: AGXT c.497T>A (p.Leu166His) results in a non-conservative amino acid change located in the Aminotransferase class V domain (IPR000192) of the encoded protein sequence. Five of five in-silico tools predict a damaging effect of the variant on protein function. The variant allele was found at a frequency of 9.1e-06 in 220772 control chromosomes. The available data on variant occurrences in the general population are insufficient to allow any conclusion about variant significance. To our knowledge, no occurrence of c.497T>A in individuals affected with Primary Hyperoxaluria Type 1 and no experimental evidence demonstrating its impact on protein function have been reported. No submitters have cited clinical-significance assessments for this variant to ClinVar. Based on the evidence outlined above, the variant was classified as uncertain significance.

PreventionGenetics, part of Exact Sciences
Classification: Uncertain significance for AGXT-related condition. Last evaluated: 2024-04-17. Review status: no assertion criteria provided. Collection method: clinical testing. Allele origin: germline. Not counted in ClinVar's aggregate classification.
Comment: The AGXT c.497T>A variant is predicted to result in the amino acid substitution p.Leu166His. To our knowledge, this variant has not been reported in the literature. A different amino acid substitution at this position (p.Leu166Pro) was reported in a patient with primary hyperoxaluria and functional analysis suggests the p.Leu166 residue is important for protein function (Williams et al 2007. PubMed ID: 17495019; Lage MD et al 2014. PubMed ID: 24718375). This variant is reported in 0.0020% of alleles in individuals of European (non-Finnish) descent in gnomAD. Although we suspect this variant could be pathogenic, at this time, the clinical significance of this variant is uncertain due to the absence of conclusive functional and genetic evidence.